The following is an entry in ClinVar:

NM_001171613.2(PREPL):c.-49+1881A>G

Gene: PREPL (prolyl endopeptidase like; minus strand). Cytogenetic location: 2p21.
Variant type: single nucleotide variant.
Coding change: c.-49+1881A>G on transcript NM_001171613.2 (MANE Select); 1881 bases into the intron after 49 bases upstream of the start codon, A replaced by G.
Molecular consequence: intron variant. On other transcripts: missense variant (7).
Genome position (GRCh38, 1-based): chr2:44,359,499, T>C on the plus strand (A>G on the coding strand, the complement: PREPL is on the minus strand). VCF-style: chr2-44359499-T-C. GRCh37 (hg19) VCF-style: chr2-44586638-T-C.
Other names: c.217A>G, p.Lys73Glu (NM_006036.4, NM_001042385.2, NM_001042386.2 and 4 more transcripts); c.-49+2025A>G (NM_001171617.1); c.-49+1918A>G (NM_001374277.1); short protein forms K73E.
Identifiers: ClinVar variation 578461 (VCV000578461.9), dbSNP rs199938599, ClinGen allele CA1641719.
Genomic context (GRCh38, chr2:44,359,499, plus strand): 5'-TTTTAAATTAAAATTAATCTTAATGACCTACAAATAGGTTAACTTAAACAGTCCATACCT[T>C]ACATGAGAAGCTCCGACTTGGGATGTTTCTTGCTAACTCTGATATCTTGGGTTTATTCTG-3'

ClinVar aggregate classification (germline): Uncertain significance. Review status: criteria provided, multiple submitters, no conflicts (2 of 4 stars). 2 submissions from 2 submitters: Uncertain significance (2). Last evaluated 2026-01-19.

Conditions:
Myasthenic syndrome, congenital, 22 (CMS22). Also called: PREPL DEFICIENCY. Identifiers: MedGen C4479088, MONDO:0044299, OMIM 616224.
Inborn genetic diseases. Identifiers: MedGen C0950123, MeSH D030342.

Allele frequency attached by ClinVar (database versions not stated): ExAC 0.00013; ESP Exome Variant Server 0.00015; gnomAD exomes 0.00018 and 0.00025; TOPMed 0.00024; gnomAD 0.00027 and 0.00028.
gnomAD v4.1: 395 of 1,601,838 alleles (0.025%); highest among the groups gnomAD compares: Admixed American, 0.058%; no homozygotes.

Submissions (2):

Labcorp Genetics (formerly Invitae), Labcorp
Classification: Uncertain significance for Myasthenic syndrome, congenital, 22. Last evaluated: 2026-01-19. Review status: criteria provided, single submitter. Criteria: Invitae Variant Classification Sherloc (09022015). Collection method: clinical testing. Allele origin: germline.
Comment: This sequence change replaces lysine, which is basic and polar, with glutamic acid, which is acidic and polar, at codon 73 of the PREPL protein (p.Lys73Glu). This variant is present in population databases (rs199938599, gnomAD 0.04%). This variant has not been reported in the literature in individuals affected with PREPL-related conditions. ClinVar contains an entry for this variant (Variation ID: 578461). An algorithm developed to predict the effect of missense changes on protein structure and function (PolyPhen-2) suggests that this variant is likely to be tolerated. In summary, the available evidence is currently insufficient to determine the role of this variant in disease. Therefore, it has been classified as a Variant of Uncertain Significance.

Ambry Genetics
Classification: Uncertain significance for Inborn genetic diseases. Last evaluated: 2021-06-18. Review status: criteria provided, single submitter. Criteria: Ambry Variant Classification Scheme 2023. Collection method: clinical testing. Allele origin: germline.